The following is an entry in ClinVar:

NM_003982.4(SLC7A7):c.118C>T (p.Leu40Phe)

Gene: SLC7A7 (solute carrier family 7 member 7; minus strand). Cytogenetic location: 14q11.2.
Variant type: single nucleotide variant.
Coding change: c.118C>T on transcript NM_003982.4 (MANE Select); coding-DNA position 118, C replaced by T.
Protein change: p.Leu40Phe; replaces leucine 40 with phenylalanine.
Molecular consequence: missense variant.
Genome position (GRCh38, 1-based): chr14:22,813,281, G>A on the plus strand (C>T on the coding strand, the complement: SLC7A7 is on the minus strand). VCF-style: chr14-22813281-G-A. GRCh37 (hg19) VCF-style: chr14-23282490-G-A.
Other names: c.118C>T, p.Leu40Phe (NM_001126105.3, NM_001126106.4); short protein forms L40F.
Identifiers: ClinVar variation 1378307 (VCV001378307.6), dbSNP rs2138663742, ClinGen allele CA388922928.

ClinVar aggregate classification (germline): Uncertain significance (1 of 4 stars; one submission).

Conditions:
Lysinuric protein intolerance (LPI). Identifiers: Orphanet 470, MedGen C0268647, MONDO:0009109, OMIM 222700.

Allele frequency attached by ClinVar (database versions not stated): gnomAD exomes below 0.00001.
gnomAD v4.1: 2 of 1,614,174 alleles (0.00012%); highest among the groups gnomAD compares: Non-Finnish European, 0.00017%; no homozygotes.

Submission:

Labcorp Genetics (formerly Invitae), Labcorp
Classification: Uncertain significance for Lysinuric protein intolerance. Last evaluated: 2021-08-28. Review status: criteria provided, single submitter. Criteria: Invitae Variant Classification Sherloc (09022015). Collection method: clinical testing. Allele origin: germline.
Comment: In summary, the available evidence is currently insufficient to determine the role of this variant in disease. Therefore, it has been classified as a Variant of Uncertain Significance. Algorithms developed to predict the effect of missense changes on protein structure and function (SIFT, PolyPhen-2, Align-GVGD) all suggest that this variant is likely to be tolerated. This variant has not been reported in the literature in individuals affected with SLC7A7-related conditions. This variant is not present in population databases (ExAC no frequency). This sequence change replaces leucine with phenylalanine at codon 40 of the SLC7A7 protein (p.Leu40Phe). The leucine residue is moderately conserved and there is a small physicochemical difference between leucine and phenylalanine.